The following is an entry in ClinVar:

ClinVar aggregate classification (germline): Uncertain significance (1 of 4 stars; one submission).

Conditions:
Mitochondrial DNA depletion syndrome 13. Also called: FBXL4-Related Encephalomyopathic Mitochondrial DNA Depletion Syndrome; Mitochondrial DNA depletion syndrome 13 (encephalomyopathic type). Identifiers: Orphanet 369897, MedGen C3809592, MONDO:0014198, OMIM 615471.

Allele frequency attached by ClinVar (database versions not stated): gnomAD exomes below 0.00001 and 0.00001; ExAC 0.00001.
gnomAD v4.1: 2 of 1,614,166 alleles (0.00012%); highest among the groups gnomAD compares: Admixed American, 0.0033%; no homozygotes.

Submission:

Wong Mito Lab, Molecular and Human Genetics, Baylor College of Medicine
Classification: Uncertain significance for Mitochondrial DNA depletion syndrome 13. Last evaluated: 2017-08-10. Review status: criteria provided, single submitter. Criteria: ACMG Guidelines, 2015. Collection method: reference population. Allele origin: germline.
Comment: The NM_012160.4:c.129G>C (NP_036292.2:p.Gln43His) [GRCH38: NC_000006.12:g.98926860C>G] variant in FBXL4 gene is interpretated to be a Uncertain Significance - Conflicting Evidence based on ACMG guidelines (PMID: 25741868). This variant meets one or more of the following evidence codes reported in the ACMG-guideline. PM2:This variant is absent in key population databases. BP4:Computational evidence/predictors indicate no impact on the FBXL4 structure, function, or protein-protein interaction. Based on this evidence code ClinGen Pathogenicity Calculator (PMID:28081714) suggested that the variant is Uncertain Significance - Conflicting Evidence.

NM_001278716.2(FBXL4):c.129G>C (p.Gln43His)

Gene: FBXL4 (F-box and leucine rich repeat protein 4; minus strand). Cytogenetic location: 6q16.2.
Variant type: single nucleotide variant.
Coding change: c.129G>C on transcript NM_001278716.2 (MANE Select); coding-DNA position 129, G replaced by C.
Protein change: p.Gln43His; replaces glutamine 43 with histidine.
Molecular consequence: missense variant. On other transcripts: non-coding transcript variant (2).
Genome position (GRCh38, 1-based): chr6:98,926,860, C>G on the plus strand (G>C on the coding strand, the complement: FBXL4 is on the minus strand). VCF-style: chr6-98926860-C-G. GRCh37 (hg19) VCF-style: chr6-99374736-C-G.
Other names: c.129G>C, p.Gln43His (NM_012160.5); short protein forms Q43H.
Identifiers: ClinVar variation 437540 (VCV000437540.1), dbSNP rs778495863, ClinGen allele CA3933732.